The following is an entry in ClinVar:

ClinVar aggregate classification (germline): Likely benign (0 of 4 stars; one submission).

Conditions:
UBR3-related disorder. Also called: UBR3-related condition.

Allele frequency attached by ClinVar (database versions not stated): gnomAD 0.00007; TOPMed 0.00008.
gnomAD v4.1: 54 of 1,363,610 alleles (0.004%); highest among the groups gnomAD compares: Admixed American, 0.044%; no homozygotes.

Submission:

PreventionGenetics, part of Exact Sciences
Classification: Likely benign for UBR3-related condition. Last evaluated: 2019-06-12. Review status: no assertion criteria provided. Collection method: clinical testing. Allele origin: germline.
Comment: This variant is classified as likely benign based on ACMG/AMP sequence variant interpretation guidelines (Richards et al. 2015 PMID: 25741868, with internal and published modifications).

NM_172070.4(UBR3):c.545+10G>A

Gene: UBR3 (ubiquitin protein ligase E3 component n-recognin 3; plus strand). Cytogenetic location: 2q31.1.
Variant type: single nucleotide variant.
Coding change: c.545+10G>A on transcript NM_172070.4 (MANE Select); 10 bases into the intron after coding-DNA position 545, G replaced by A.
Molecular consequence: intron variant.
Genome position (GRCh38, 1-based): chr2:169,828,062, G>A. VCF-style: chr2-169828062-G-A. GRCh37 (hg19) VCF-style: chr2-170684572-G-A.
Identifiers: ClinVar variation 3034181 (VCV003034181.2), dbSNP rs761566207, ClinGen allele CA1959798.